The following is an entry in ClinVar:

NM_002184.4(IL6ST):c.1552C>T (p.Pro518Ser)

Gene: IL6ST (interleukin 6 cytokine family signal transducer; minus strand). Cytogenetic location: 5q11.2.
Variant type: single nucleotide variant.
Coding change: c.1552C>T on transcript NM_002184.4 (MANE Select); coding-DNA position 1552, C replaced by T.
Protein change: p.Pro518Ser; replaces proline 518 with serine.
Molecular consequence: missense variant. On other transcripts: 3 prime UTR variant (1), non-coding transcript variant (2), intron variant (1).
Genome position (GRCh38, 1-based): chr5:55,952,250, G>A on the plus strand (C>T on the coding strand, the complement: IL6ST is on the minus strand). VCF-style: chr5-55952250-G-A. GRCh37 (hg19) VCF-style: chr5-55248078-G-A.
Other names: c.1369C>T, p.Pro457Ser (NM_001190981.2); c.1342C>T, p.Pro448Ser (NM_001364276.2); c.685C>T, p.Pro229Ser (NM_001364277.2); c.649C>T, p.Pro217Ser (NM_001364278.2); c.556C>T, p.Pro186Ser (NM_001364279.2); c.*479C>T (NM_175767.3); c.1451-175C>T (NM_001364275.2); short protein forms P448S, P518S, P186S, P217S, P229S, P457S.
Identifiers: ClinVar variation 1947151 (VCV001947151.5), dbSNP rs770071249, ClinGen allele CA3271389.

ClinVar aggregate classification (germline): Uncertain significance (1 of 4 stars; one submission).

Submission:

Labcorp Genetics (formerly Invitae), Labcorp
Classification: Uncertain significance. Last evaluated: 2024-10-21. Review status: criteria provided, single submitter. Criteria: Invitae Variant Classification Sherloc (09022015). Collection method: clinical testing. Allele origin: germline.
Comment: This sequence change replaces proline, which is neutral and non-polar, with serine, which is neutral and polar, at codon 518 of the IL6ST protein (p.Pro518Ser). This variant is present in population databases (rs770071249, gnomAD 0.01%). This variant has not been reported in the literature in individuals affected with IL6ST-related conditions. ClinVar contains an entry for this variant (Variation ID: 1947151). An algorithm developed to predict the effect of missense changes on protein structure and function (PolyPhen-2) suggests that this variant is likely to be tolerated. In summary, the available evidence is currently insufficient to determine the role of this variant in disease. Therefore, it has been classified as a Variant of Uncertain Significance.